The following is an entry in ClinVar:

ClinVar aggregate classification (germline): Uncertain significance. Review status: criteria provided, multiple submitters, no conflicts (2 of 4 stars). 2 submissions from 2 submitters: Uncertain significance (2). Last evaluated 2024-12-28.

Conditions:
Platelet-activating factor acetylhydrolase deficiency (PAFAD). Identifiers: MedGen C3280315, MONDO:0013663, OMIM 614278, HP:0040175.

Allele frequency attached by ClinVar (database versions not stated): gnomAD exomes 0.00001; ExAC 0.00003; gnomAD 0.00009; TOPMed 0.00012; ESP Exome Variant Server 0.00023.
gnomAD v4.1: 26 of 1,613,926 alleles (0.0016%); highest among the groups gnomAD compares: African/African-American, 0.029%; no homozygotes.

Submissions (2):

Ambry Genetics
Classification: Uncertain significance. Last evaluated: 2024-12-28. Review status: criteria provided, single submitter. Criteria: Ambry Variant Classification Scheme 2023. Collection method: clinical testing. Allele origin: germline.

Laboratorio de Genetica e Diagnostico Molecular, Hospital Israelita Albert Einstein
Classification: Uncertain significance for Platelet-activating factor acetylhydrolase deficiency. Last evaluated: 2022-10-12. Review status: criteria provided, single submitter. Criteria: ACMG Guidelines, 2015. Collection method: clinical testing. Allele origin: germline. Affected: yes.
Comment: ACMG classification criteria: PM2 supporting, PP3 supporting

NM_005084.4(PLA2G7):c.251A>G (p.Tyr84Cys)

Gene: PLA2G7 (phospholipase A2 group VII; minus strand). Cytogenetic location: 6p12.3.
Variant type: single nucleotide variant.
Coding change: c.251A>G on transcript NM_005084.4 (MANE Select); coding-DNA position 251, A replaced by G.
Protein change: p.Tyr84Cys; replaces tyrosine 84 with cysteine.
Molecular consequence: missense variant.
Genome position (GRCh38, 1-based): chr6:46,716,509, T>C on the plus strand (A>G on the coding strand, the complement: PLA2G7 is on the minus strand). VCF-style: chr6-46716509-T-C. GRCh37 (hg19) VCF-style: chr6-46684246-T-C.
Other names: c.251A>G, p.Tyr84Cys (NM_001168357.2); c.251A>G (NM_005084.3); short protein forms Y84C.
Identifiers: ClinVar variation 2431694 (VCV002431694.3), dbSNP rs368234407, ClinGen allele CA3840450.
Genomic context (GRCh38, chr6:46,716,509, plus strand): 5'-AAATATTCTTTATTTGGGATCCAAAGGGTGTCAAGGCGATCATTATCTTGGGATGGATAA[T>C]ATAAACGCAAGAAGGTGCCCTGTTAAGAAAGAAATTAATGCACTTTTAGAGAAGTTGTGT-3'
Protein context (NP_005075.3, residues 74-94): HTNKGTFLRL[Tyr84Cys]YPSQDNDRLD